The following is an entry in ClinVar:

NM_000152.5(GAA):c.1771C>T (p.Arg591Trp)

Gene: GAA (alpha glucosidase; plus strand). Cytogenetic location: 17q25.3.
Variant type: single nucleotide variant.
Coding change: c.1771C>T on transcript NM_000152.5 (MANE Select); coding-DNA position 1771, C replaced by T.
Protein change: p.Arg591Trp; replaces arginine 591 with tryptophan.
Molecular consequence: missense variant.
Genome position (GRCh38, 1-based): chr17:80,112,594, C>T. VCF-style: chr17-80112594-C-T. GRCh37 (hg19) VCF-style: chr17-78086393-C-T.
Other names: c.1771C>T (LRG_673t1); c.1771C>T, p.Arg591Trp (NM_001079803.3, NM_001079804.3); short protein forms R591W.
Identifiers: ClinVar variation 551782 (VCV000551782.18), dbSNP rs770983413, ClinGen allele CA8815472.
Genomic context (GRCh38, chr17:80,112,594, plus strand): 5'-GACCCCGCTCCACACAGCCCTCACGGTGTCCCCCACCACCCCAGGGCGCTGGTGAAGGCT[C>T]GGGGGACACGCCCATTTGTGATCTCCCGCTCGACCTTTGCTGGCCACGGCCGATACGCCG-3'
Protein context (NP_000143.2, residues 581-601): IASHRALVKA[Arg591Trp]GTRPFVISRS

ClinVar aggregate classification (germline): Uncertain significance. Review status: criteria provided, multiple submitters, no conflicts (2 of 4 stars). 8 submissions from 8 submitters: Uncertain significance (6). 2 of the submissions do not count toward it. Last evaluated 2026-07-01.

Conditions:
Glycogen storage disease, type II (IOPD). Also called: POMPE DISEASE, INFANTILE-ONSET; GLYCOGEN STORAGE DISEASE II, INFANTILE-ONSET; ACID ALPHA-GLUCOSIDASE DEFICIENCY, INFANTILE-ONSET; GAA DEFICIENCY, INFANTILE-ONSET; ACID MALTASE DEFICIENCY, INFANTILE-ONSET; CARDIOMEGALIA GLYCOGENICA DIFFUSA. Identifiers: Orphanet 365, MedGen C0017921, MONDO:0009290, OMIM 232300.

Allele frequency attached by ClinVar (database versions not stated): TOPMed below 0.00001; ExAC 0.00001; gnomAD exomes 0.00001.
gnomAD v4.1: 11 of 1,612,940 alleles (0.00068%); highest among the groups gnomAD compares: South Asian, 0.0011%; no homozygotes.

Submissions (8):

Genomenon, Inc
Classification: Uncertain significance for Glycogen storage disease, type II. Last evaluated: 2026-07-01. Review status: criteria provided, single submitter. Criteria: Genomenon Sequence Variant Interpretation Standards - Updated. Collection method: curation. Allele origin: germline. Affected: no.
Comment: GAA p.Arg591Trp (c.1771C>T) is a missense variant that changes the amino acid at codon 591 from Arginine to Tryptophan. This variant has been reported in the published literature (PMID:25673129;26830551). It is absent or not present at a significant frequency in gnomAD. In silico models predict that this variant is not damaging. In conclusion, we classify GAA p.Arg591Trp (c.1771C>T) as a variant of uncertain significance.

Revvity Omics, Revvity
Classification: Uncertain significance. Last evaluated: 2021-11-18. Review status: criteria provided, single submitter. Criteria: ACMG Guidelines, 2015. Collection method: clinical testing. Allele origin: germline.

Genome-Nilou Lab
Classification: Uncertain significance for Glycogen storage disease, type II. Last evaluated: 2021-09-05. Review status: criteria provided, single submitter. Criteria: ACMG Guidelines, 2015. Collection method: clinical testing. Allele origin: germline. Affected: no.

Fulgent Genetics
Classification: Uncertain significance for Glycogen storage disease, type II. Last evaluated: 2021-09-02. Review status: criteria provided, single submitter. Criteria: ACMG Guidelines, 2015. Collection method: clinical testing. Allele origin: unknown.

Labcorp Genetics (formerly Invitae), Labcorp
Classification: Uncertain significance for Glycogen storage disease, type II. Last evaluated: 2021-09-01. Review status: criteria provided, single submitter. Criteria: Invitae Variant Classification Sherloc (09022015). Collection method: clinical testing. Allele origin: germline.
Comment: This sequence change replaces arginine with tryptophan at codon 591 of the GAA protein (p.Arg591Trp). The arginine residue is moderately conserved and there is a moderate physicochemical difference between arginine and tryptophan. This variant is present in population databases (rs770983413, ExAC 0.002%). This missense change has been observed in individual(s) with clinical features of Pompe disease (PMID: 26830551). ClinVar contains an entry for this variant (Variation ID: 551782). Algorithms developed to predict the effect of missense changes on protein structure and function are either unavailable or do not agree on the potential impact of this missense change (SIFT: "Deleterious"; PolyPhen-2: "Probably Damaging"; Align-GVGD: "Class C0"). In summary, the available evidence is currently insufficient to determine the role of this variant in disease. Therefore, it has been classified as a Variant of Uncertain Significance.

Broad Center for Mendelian Genomics, Broad Institute of MIT and Harvard
Classification: Uncertain significance for Glycogen storage disease, type II. Last evaluated: 2020-01-15. Review status: criteria provided, single submitter. Criteria: ACMG Guidelines, 2015. Collection method: curation. Allele origin: germline. Inheritance: Autosomal recessive inheritance.
Comment: Although this variant has been seen in the general population, its frequency is low enough to be consistent with a recessive carrier frequency. Computational prediction tools and conservation analyses do not provide strong support for or against an impact to the protein. In summary, the clinical significance of the p.Arg591Trp variant is uncertain. ACMG/AMP Criteria applied: PM2 (Richards 2015).

Natera, Inc.
Classification: Uncertain significance for Glycogen storage disease type II. Last evaluated: 2020-09-16. Review status: no assertion criteria provided. Collection method: clinical testing. Allele origin: germline. Not counted in ClinVar's aggregate classification.

Counsyl
Classification: Uncertain significance for Glycogen storage disease, type II. Last evaluated: 2017-05-12. Review status: no assertion criteria provided. Collection method: clinical testing. Allele origin: unknown. Not counted in ClinVar's aggregate classification.

Literature cited by the submitters: PubMed 25673129 (cited by Genomenon, Inc and Counsyl); PubMed 26830551 (cited by Genomenon, Inc and Labcorp Genetics (formerly Invitae), Labcorp).